The following is an entry in ClinVar:

ClinVar aggregate classification (germline): Uncertain significance (1 of 4 stars; one submission).

gnomAD v4.1: 19 of 1,612,368 alleles (0.0012%); highest among the groups gnomAD compares: South Asian, 0.018%; no homozygotes.

Submission:

Labcorp Genetics (formerly Invitae), Labcorp
Classification: Uncertain significance. Last evaluated: 2022-05-05. Review status: criteria provided, single submitter. Criteria: Invitae Variant Classification Sherloc (09022015). Collection method: clinical testing. Allele origin: germline.
Comment: This sequence change replaces arginine, which is basic and polar, with leucine, which is neutral and non-polar, at codon 57 of the CCT2 protein (p.Arg57Leu). In summary, the available evidence is currently insufficient to determine the role of this variant in disease. Therefore, it has been classified as a Variant of Uncertain Significance. Algorithms developed to predict the effect of missense changes on protein structure and function (SIFT, PolyPhen-2, Align-GVGD) all suggest that this variant is likely to be tolerated. This variant has not been reported in the literature in individuals affected with CCT2-related conditions. This variant is present in population databases (rs778745250, gnomAD 0.02%).

NM_006431.3(CCT2):c.170G>T (p.Arg57Leu)

Gene: CCT2 (chaperonin containing TCP1 subunit 2; plus strand). Cytogenetic location: 12q15.
Variant type: single nucleotide variant.
Coding change: c.170G>T on transcript NM_006431.3 (MANE Select); coding-DNA position 170, G replaced by T.
Protein change: p.Arg57Leu; replaces arginine 57 with leucine.
Molecular consequence: missense variant.
Genome position (GRCh38, 1-based): chr12:69,587,530, G>T. VCF-style: chr12-69587530-G-T. GRCh37 (hg19) VCF-style: chr12-69981310-G-T.
Other names: c.29G>T, p.Arg10Leu (NM_001198842.2); short protein forms R10L, R57L.
Identifiers: ClinVar variation 1910351 (VCV001910351.5), dbSNP rs778745250, ClinGen allele CA6680484.
Genomic context (GRCh38, chr12:69,587,530, plus strand): 5'-TATGTCTTAACTTGAACCAATTATGTTCCCTTTAGGACAAAATTCTTCTAAGCAGTGGAC[G>T]AGATGCCTCTCTTATGGTAACCAATGATGGTGCCACTATTCTAAAAAACATTGGTGTTGA-3'
Protein context (NP_006422.1, residues 47-67): GMDKILLSSG[Arg57Leu]DASLMVTNDG